The following is an entry in ClinVar:

ClinVar aggregate classification (germline): Uncertain significance (1 of 4 stars; one submission).

Submission:

Labcorp Genetics (formerly Invitae), Labcorp
Classification: Uncertain significance. Last evaluated: 2024-01-30. Review status: criteria provided, single submitter. Criteria: Invitae Variant Classification Sherloc (09022015). Collection method: clinical testing. Allele origin: germline.
Comment: This sequence change replaces glycine, which is neutral and non-polar, with valine, which is neutral and non-polar, at codon 1961 of the POLE protein (p.Gly1961Val). This variant is not present in population databases (gnomAD no frequency). This variant has not been reported in the literature in individuals affected with POLE-related conditions. An algorithm developed to predict the effect of missense changes on protein structure and function (PolyPhen-2) suggests that this variant is likely to be tolerated. In summary, the available evidence is currently insufficient to determine the role of this variant in disease. Therefore, it has been classified as a Variant of Uncertain Significance.

NM_006231.4(POLE):c.5882G>T (p.Gly1961Val)

Gene: POLE (DNA polymerase epsilon, catalytic subunit; minus strand). Cytogenetic location: 12q24.33.
Variant type: single nucleotide variant.
Coding change: c.5882G>T on transcript NM_006231.4 (MANE Select); coding-DNA position 5882, G replaced by T.
Protein change: p.Gly1961Val; replaces glycine 1961 with valine.
Molecular consequence: missense variant.
Genome position (GRCh38, 1-based): chr12:132,634,308, C>A on the plus strand (G>T on the coding strand, the complement: POLE is on the minus strand). VCF-style: chr12-132634308-C-A. GRCh37 (hg19) VCF-style: chr12-133210894-C-A.
Other names: short protein forms G1961V.
Identifiers: ClinVar variation 3637467 (VCV003637467.2).
Genomic context (GRCh38, chr12:132,634,308, plus strand): 5'-TTCCAGTTGTTTTCCAGTAAATCCTCCACGTTGGATTCCTCCGCCTCTTCCTCCTCCTCC[C>A]CATCTCTTTCCTCCTCATCGTCCTCATTTTCCTGCTCATCCTCTGCTCCCCCTGCTTTCT-3'
Protein context (NP_006222.2, residues 1951-1971): ENEDDEEERD[Gly1961Val]EEEEEAEESN